The following is an entry in ClinVar:

ClinVar aggregate classification (germline): Uncertain significance (1 of 4 stars; one submission).

Allele frequency attached by ClinVar (database versions not stated): ExAC 0.00002; gnomAD exomes 0.00002; TOPMed 0.00002; gnomAD 0.00003; ESP Exome Variant Server 0.00015.
gnomAD v4.1: 34 of 1,614,004 alleles (0.0021%); highest among the groups gnomAD compares: African/African-American, 0.004%; no homozygotes.

Submission:

Labcorp Genetics (formerly Invitae), Labcorp
Classification: Uncertain significance. Last evaluated: 2024-01-26. Review status: criteria provided, single submitter. Criteria: Invitae Variant Classification Sherloc (09022015). Collection method: clinical testing. Allele origin: germline.
Comment: This sequence change replaces alanine, which is neutral and non-polar, with glycine, which is neutral and non-polar, at codon 2099 of the SORL1 protein (p.Ala2099Gly). This variant is present in population databases (rs139351633, gnomAD 0.004%). This variant has not been reported in the literature in individuals affected with SORL1-related conditions. An algorithm developed to predict the effect of missense changes on protein structure and function (PolyPhen-2) suggests that this variant is likely to be disruptive. In summary, the available evidence is currently insufficient to determine the role of this variant in disease. Therefore, it has been classified as a Variant of Uncertain Significance.

NM_003105.6(SORL1):c.6296C>G (p.Ala2099Gly)

Gene: SORL1 (sortilin related receptor 1; plus strand). Cytogenetic location: 11q24.1.
Variant type: single nucleotide variant.
Coding change: c.6296C>G on transcript NM_003105.6 (MANE Select); coding-DNA position 6296, C replaced by G.
Protein change: p.Ala2099Gly; replaces alanine 2099 with glycine.
Molecular consequence: missense variant.
Genome position (GRCh38, 1-based): chr11:121,625,209, C>G. VCF-style: chr11-121625209-C-G. GRCh37 (hg19) VCF-style: chr11-121495918-C-G.
Other names: short protein forms A2099G.
Identifiers: ClinVar variation 2898711 (VCV002898711.3), dbSNP rs139351633, ClinGen allele CA6330230.